The following is an entry in ClinVar:

NM_022356.4(P3H1):c.1A>G (p.Met1Val)

Gene: P3H1 (prolyl 3-hydroxylase 1; minus strand). Cytogenetic location: 1p34.2.
Variant type: single nucleotide variant.
Coding change: c.1A>G on transcript NM_022356.4 (MANE Select); coding-DNA position 1, A replaced by G.
Protein change: p.Met1Val; changes the start codon (methionine 1).
Molecular consequence: missense variant, initiator codon variant.
Genome position (GRCh38, 1-based): chr1:42,766,971, T>C on the plus strand (A>G on the coding strand, the complement: P3H1 is on the minus strand). VCF-style: chr1-42766971-T-C. GRCh37 (hg19) VCF-style: chr1-43232642-T-C.
Other names: c.1A>G, p.Met1Val (NM_001146289.2, NM_001243246.2); short protein forms M1V.
Identifiers: ClinVar variation 373010 (VCV000373010.2), dbSNP rs761033636, ClinGen allele CA16042395.

ClinVar aggregate classification (germline): Likely pathogenic (1 of 4 stars; one submission).

Allele frequency attached by ClinVar (database versions not stated): gnomAD 0.00001.

Submission:

GeneDx
Classification: Likely pathogenic. Last evaluated: 2016-08-26. Review status: criteria provided, single submitter. Criteria: GeneDx Variant Classification (06012015). Collection method: clinical testing. Allele origin: germline. Affected: yes.
Comment: The c.1 A>G nucleotide substitution has not been published as a mutation, nor has it been reported as a benign polymorphism to our knowledge. This substitution alters the initiator Methionine codon, and the resultant protein would be described as p.Met1?" to indicate that the effect on protein translation is unknown. This variant could result in the lack of protein translation and produce an effectively null allele or an alternative Methionine initiator codon could be used to produce an abnormal protein. The c.1 A>G variant was not observed with any significant frequency in approximately 6,300 individuals of European and African American ancestry in the NHLBI Exome Sequencing Project."